The following is an entry in ClinVar:

NM_001034853.2(RPGR):c.2376_2377del (p.Asp792fs)

Gene: RPGR (retinitis pigmentosa GTPase regulator; minus strand). Cytogenetic location: Xp11.4.
Variant type: Deletion.
Coding change: c.2376_2377del on transcript NM_001034853.2 (MANE Select); coding-DNA positions 2376 to 2377, 2 bases deleted (CC; older notation c.2376_2377delCC).
Protein change: p.Asp792fs; shifts the reading frame from aspartic acid 792.
Molecular consequence: frameshift variant. On other transcripts: intron variant (8).
Genome position (GRCh38, 1-based): chrX:38,286,622-38,286,623, GG deleted on the plus strand (CC on the coding strand, the reverse complement: RPGR is on the minus strand). VCF-style (leftmost placement, unchanged base first): chrX-38286621-TGG-T. GRCh37 (hg19) VCF-style: chrX-38145874-TGG-T.
Other names: c.1569+4336_1569+4337del (NM_001367249.1, NM_001367250.1); c.1902+471_1902+472del (NM_001367245.1); c.1386+4336_1386+4337del (NM_001367251.1); c.1719+471_1719+472del (NM_001367246.1); c.1572+4336_1572+4337del (NM_001367247.1); c.1905+471_1905+472del (NM_000328.3); c.1602+4336_1602+4337del (NM_001367248.1); short protein forms D792fs.
Identifiers: ClinVar variation 4813723 (VCV004813723.1).
Genomic context (GRCh38, chrX:38,286,621, plus strand): 5'-TCCCCTCCCTCCTCTTTTTCCTCCCCTCTCCCCTCTGTTTCCTCCTCTTCCCCCTCTCCT[TGG>T]TCTCCTTCTTCCTCTCCTTTCTCCTCCTTCCCCGCTCTTTCCTCCTTTTTCCTCTCTCCT-3'

ClinVar aggregate classification (germline): Likely pathogenic (1 of 4 stars; one submission).

Conditions:
X-linked RPGR-related disorders.

Submission:

Variantyx, Inc.
Classification: Likely pathogenic for X-linked RPGR-related disorders. Last evaluated: 2025-12-09. Review status: criteria provided, single submitter. Criteria: Variantyx Assertion Criteria 2022. Collection method: clinical testing. Allele origin: maternal. Inheritance: X-linked recessive inheritance. Affected: yes.
Comment: This is a frameshift variant in the RPGR gene (OMIM: 312610). Pathogenic variants in this gene have been associated with X-linked RPGR-related disorders. This variant introduces a premature termination codon in exon 15 out of 15 and is expected to result in loss of function, which is a known disease mechanism for RPGR in this disorder (PMID: 36346573) (PVS1). This variant is absent from control populations (PM2). Based on the current evidence, this variant is classified as likely pathogenic for X-linked RPGR-related disorders.

Literature cited by the submitters: PubMed 36346573.